The following is an entry in ClinVar:

NM_001166108.2(PALLD):c.1965-12829C>T

Gene: PALLD (palladin, cytoskeletal associated protein; plus strand). Cytogenetic location: 4q32.3.
Variant type: single nucleotide variant.
Coding change: c.1965-12829C>T on transcript NM_001166108.2 (MANE Select); 12829 bases into the intron before coding-DNA position 1965, C replaced by T.
Molecular consequence: intron variant. On other transcripts: missense variant (1).
Genome position (GRCh38, 1-based): chr4:168,878,093, C>T. VCF-style: chr4-168878093-C-T. GRCh37 (hg19) VCF-style: chr4-169799244-C-T.
Other names: c.202C>T, p.Pro68Ser (NM_001166110.2); c.1965-12829C>T (NM_016081.4); c.819-12829C>T (NM_001166109.2); c.-157-12829C>T (NM_001367570.1, NM_001367568.1, NM_001367567.1 and 1 more transcripts); short protein forms P68S.
Identifiers: ClinVar variation 3885246 (VCV003885246.1).

ClinVar aggregate classification (germline): Uncertain significance (1 of 4 stars; one submission).

gnomAD v4.1: 3 of 1,444,394 alleles (0.00021%); highest among the groups gnomAD compares: Non-Finnish European, 0.00027%; no homozygotes.

Submission:

Ambry Genetics
Classification: Uncertain significance. Last evaluated: 2024-12-16. Review status: criteria provided, single submitter. Criteria: Ambry Variant Classification Scheme 2023. Collection method: clinical testing. Allele origin: germline.
Comment: The p.P68S variant (also known as c.202C>T), located in coding exon 1 of the PALLD gene, results from a C to T substitution at nucleotide position 202. The proline at codon 68 is replaced by serine, an amino acid with similar properties. This amino acid position is conserved. In addition, this alteration is predicted to be tolerated by in silico analysis. Based on the available evidence, the clinical significance of this variant remains unclear.